The following is an entry in ClinVar:

ClinVar aggregate classification (germline): Uncertain significance. Review status: criteria provided, multiple submitters, no conflicts (2 of 4 stars). 2 submissions from 2 submitters: Uncertain significance (2). Last evaluated 2023-06-08.

Conditions:
Long QT syndrome (LQTS). Identifiers: MedGen C0023976, MeSH D008133, MONDO:0002442. Disease mechanism: loss of function. Inheritance: Various modes of inheritance.

Submissions (2):

All of Us Research Program, National Institutes of Health
Classification: Uncertain significance for Long QT syndrome. Last evaluated: 2023-06-08. Review status: criteria provided, single submitter. Criteria: ACMG Guidelines, 2015. Collection method: clinical testing. Allele origin: germline. Inheritance: Autosomal dominant inheritance. Observed: 1 variant allele, 1 heterozygote.
Comment: This variant causes a T to G nucleotide substitution at the -9 position of intron 9 of the KCNQ1 gene. To our knowledge, functional studies have not been reported for this variant. This variant has not been reported in individuals affected with KCNQ1-related disorders in the literature. This variant has not been identified in the general population by the Genome Aggregation Database (gnomAD). The available evidence is insufficient to determine the role of this variant in disease conclusively. Therefore, this variant is classified as a Variant of Uncertain Significance.

This study involves interpretation of variants in research participants for the purpose of population health screening. Participant phenotype was not available at the time of variant classification. Additional details can be found in publication PMID: 35346344, PMCID: PMC8962531

Athena Diagnostics
Classification: Uncertain significance. Last evaluated: 2023-01-09. Review status: criteria provided, single submitter. Criteria: Athena Diagnostics Criteria. Collection method: clinical testing. Allele origin: unknown.
Comment: Available data are insufficient to determine the clinical significance of the variant at this time. This variant has not been reported in large, multi-ethnic general populations. Computational tools yielded predictions that this variant is unlikely to have an effect on normal RNA splicing.

NM_000218.3(KCNQ1):c.1252-9T>G

Gene: KCNQ1 (potassium voltage-gated channel subfamily Q member 1; plus strand). Cytogenetic location: 11p15.5.
Variant type: single nucleotide variant.
Coding change: c.1252-9T>G on transcript NM_000218.3 (MANE Select); 9 bases into the intron before coding-DNA position 1252, T replaced by G.
Molecular consequence: intron variant.
Genome position (GRCh38, 1-based): chr11:2,588,704, T>G. VCF-style: chr11-2588704-T-G. GRCh37 (hg19) VCF-style: chr11-2609934-T-G.
Other names: c.982-9T>G (NM_001406837.1); c.1156-9T>G (NM_001406836.1); c.712-9T>G (NM_001406838.1); c.871-9T>G (NM_181798.2).
Identifiers: ClinVar variation 2684254 (VCV002684254.2), dbSNP rs2493708122, ClinGen allele CA2697558939.